The following is an entry in ClinVar:

ClinVar aggregate classification (germline): Uncertain significance (1 of 4 stars; one submission).

Conditions:
Atypical hemolytic-uremic syndrome. Identifiers: Orphanet 2134, MedGen C2931788, MONDO:0016244.

Submission:

Genomenon, Inc
Classification: Uncertain significance for Atypical hemolytic-uremic syndrome. Last evaluated: 2025-10-02. Review status: criteria provided, single submitter. Criteria: Genomenon Sequence Variant Interpretation Standards. Collection method: curation. Allele origin: germline. Affected: no.
Comment: CD46 p.Glu55Ala (c.164A>C) is a missense variant that changes the amino acid at residue 55 from Glutamic acid to Alanine. This variant has been reported in the published literature (PMID:9268348;16014961;26357573). It is absent or not present at a significant frequency in gnomAD. In silico models agree that this variant is not damaging. In conclusion, we classify CD46 p.Glu55Ala (c.164A>C) as a variant of uncertain significance.

Literature cited by the submitters: PubMed 9268348; PubMed 16014961; PubMed 26357573.

NM_172351.3(CD46):c.164A>C (p.Glu55Ala)

Gene: CD46 (CD46 molecule; plus strand). Cytogenetic location: 1q32.2.
Variant type: single nucleotide variant.
Coding change: c.164A>C on transcript NM_172351.3 (MANE Select); coding-DNA position 164, A replaced by C.
Protein change: p.Glu55Ala; replaces glutamic acid 55 with alanine.
Molecular consequence: missense variant.
Genome position (GRCh38, 1-based): chr1:207,757,080, A>C. VCF-style: chr1-207757080-A-C. GRCh37 (hg19) VCF-style: chr1-207930425-A-C.
Other names: c.164A>C, p.Glu55Ala (NM_002389.4, NM_153826.4, NM_172350.3 and 8 more transcripts); short protein forms E55A.
Identifiers: ClinVar variation 4291244 (VCV004291244.1).